The following is an entry in ClinVar:

NM_001375524.1(TRRAP):c.301C>A (p.Pro101Thr)

Gene: TRRAP (transformation/transcription domain associated protein; plus strand). Cytogenetic location: 7q22.1.
Variant type: single nucleotide variant.
Coding change: c.301C>A on transcript NM_001375524.1 (MANE Select); coding-DNA position 301, C replaced by A.
Protein change: p.Pro101Thr; replaces proline 101 with threonine.
Molecular consequence: missense variant.
Genome position (GRCh38, 1-based): chr7:98,892,463, C>A. VCF-style: chr7-98892463-C-A. GRCh37 (hg19) VCF-style: chr7-98490086-C-A.
Other names: c.301C>A, p.Pro101Thr (NM_001244580.2, NM_003496.4); short protein forms P101T.
Identifiers: ClinVar variation 3764391 (VCV003764391.1).

ClinVar aggregate classification (germline): Uncertain significance (1 of 4 stars; one submission).

Submission:

GeneDx
Classification: Uncertain significance. Last evaluated: 2024-08-18. Review status: criteria provided, single submitter. Criteria: GeneDx Variant Classification Process June 2021. Collection method: clinical testing. Allele origin: germline. Affected: yes.
Comment: Not observed at significant frequency in large population cohorts (gnomAD); In silico analysis supports that this missense variant has a deleterious effect on protein structure/function; Has not been previously published as pathogenic or benign to our knowledge